The following is an entry in ClinVar:

ClinVar aggregate classification (germline): Uncertain significance (1 of 4 stars; one submission).

Submission:

Labcorp Genetics (formerly Invitae), Labcorp
Classification: Uncertain significance. Last evaluated: 2023-08-08. Review status: criteria provided, single submitter. Criteria: Invitae Variant Classification Sherloc (09022015). Collection method: clinical testing. Allele origin: germline.
Comment: Advanced modeling of protein sequence and biophysical properties (such as structural, functional, and spatial information, amino acid conservation, physicochemical variation, residue mobility, and thermodynamic stability) performed at Invitae indicates that this missense variant is not expected to disrupt CASQ1 protein function. This sequence change replaces threonine, which is neutral and polar, with serine, which is neutral and polar, at codon 352 of the CASQ1 protein (p.Thr352Ser). This variant is not present in population databases (gnomAD no frequency). This variant has not been reported in the literature in individuals affected with CASQ1-related conditions. In summary, the available evidence is currently insufficient to determine the role of this variant in disease. Therefore, it has been classified as a Variant of Uncertain Significance.

NM_001231.5(CASQ1):c.1054A>T (p.Thr352Ser)

Gene: CASQ1 (calsequestrin 1; plus strand). Cytogenetic location: 1q23.2.
Variant type: single nucleotide variant.
Coding change: c.1054A>T on transcript NM_001231.5 (MANE Select); coding-DNA position 1054, A replaced by T.
Protein change: p.Thr352Ser; replaces threonine 352 with serine.
Molecular consequence: missense variant.
Genome position (GRCh38, 1-based): chr1:160,199,920, A>T. VCF-style: chr1-160199920-A-T. GRCh37 (hg19) VCF-style: chr1-160169710-A-T.
Other names: short protein forms T352S.
Identifiers: ClinVar variation 2751223 (VCV002751223.3), dbSNP rs2525065435, ClinGen allele CA343262729.